The following is an entry in ClinVar:

ClinVar aggregate classification (germline): Uncertain significance. Review status: criteria provided, multiple submitters, no conflicts (2 of 4 stars). 2 submissions from 2 submitters: Uncertain significance (2). Last evaluated 2019-08-22.

Conditions:
3M syndrome 1. Also called: 3-M Syndrome, CUL7-Related. Identifiers: Orphanet 2616, MedGen C2678312, MONDO:0010117, OMIM 273750.

Allele frequency attached by ClinVar (database versions not stated): gnomAD 0.00004; TOPMed 0.00005; gnomAD exomes 0.00007 and 0.00009; ExAC 0.00012.
gnomAD v4.1: 111 of 1,613,992 alleles (0.0069%); highest among the groups gnomAD compares: Middle Eastern, 0.049%; no homozygotes.

Submissions (2):

Baylor Genetics
Classification: Uncertain significance for 3M syndrome 1. Last evaluated: 2019-08-22. Review status: criteria provided, single submitter. Criteria: ACMG Guidelines, 2015. Collection method: clinical testing. Allele origin: unknown. Affected: yes.
Comment: This variant was determined to be of uncertain significance according to ACMG Guidelines, 2015 [PMID:25741868].

Illumina Laboratory Services, Illumina
Classification: Uncertain significance for 3M syndrome 1. Last evaluated: 2017-04-27. Review status: criteria provided, single submitter. Criteria: ICSL Variant Classification Criteria 13 December 2019. Collection method: clinical testing. Allele origin: germline.
Comment: This variant was observed as part of a predisposition screen in an ostensibly healthy population. A literature search was performed for the gene, cDNA change, and amino acid change (where applicable). Publications were found based on this search. However, the evidence from the literature, in combination with allele frequency data from public databases where available, was not sufficient to rule this variant in or out of causing disease. Therefore, this variant is classified as a variant of unknown significance.

Literature cited by the submitters: PubMed 21396581 (cited by Illumina Laboratory Services, Illumina); PubMed 19225462 (cited by Illumina Laboratory Services, Illumina).

NM_014780.5(CUL7):c.4607C>T (p.Ser1536Leu)

Gene: CUL7 (cullin 7; minus strand). Cytogenetic location: 6p21.1.
Variant type: single nucleotide variant.
Coding change: c.4607C>T on transcript NM_014780.5 (MANE Select); coding-DNA position 4607, C replaced by T.
Protein change: p.Ser1536Leu; replaces serine 1536 with leucine.
Molecular consequence: missense variant.
Genome position (GRCh38, 1-based): chr6:43,038,433, G>A on the plus strand (C>T on the coding strand, the complement: CUL7 is on the minus strand). VCF-style: chr6-43038433-G-A. GRCh37 (hg19) VCF-style: chr6-43006171-G-A.
Other names: c.4703C>T, p.Ser1568Leu (NM_001168370.2, NM_001374872.1); c.4619C>T, p.Ser1540Leu (NM_001374873.1); c.4604C>T, p.Ser1535Leu (NM_001374874.1); short protein forms S1535L, S1540L, S1568L, S1536L.
Identifiers: ClinVar variation 911417 (VCV000911417.5), dbSNP rs765173994, ClinGen allele CA3813157.